The following is an entry in ClinVar:

ClinVar aggregate classification (germline): Uncertain significance (1 of 4 stars; one submission).

Conditions:
Primary ciliary dyskinesia 3. Identifiers: Orphanet 244, MedGen C1837618, MONDO:0012085, OMIM 608644.

Allele frequency attached by ClinVar (database versions not stated): gnomAD exomes below 0.00001.
gnomAD v4.1: 1 of 1,612,144 alleles (0.000062%); highest among the groups gnomAD compares: Non-Finnish European, 0.000085%; no homozygotes.

Submission:

ARUP Laboratories, Molecular Genetics and Genomics, ARUP Laboratories
Classification: Uncertain significance for Primary ciliary dyskinesia 3. Last evaluated: 2021-08-20. Review status: criteria provided, single submitter. Criteria: ARUP Molecular Germline Variant Investigation Process 2021. Collection method: clinical testing. Allele origin: germline.
Comment: The DNAH5 c.11029G>T; p.Val3677Leu variant, to our knowledge, is not reported in the medical literature or gene specific databases. This variant is also absent from the Genome Aggregation Database, indicating it is not a common polymorphism. The valine at codon 3677 is highly conserved, but computational analyses are uncertain whether this variant is neutral or deleterious (REVEL: 0.327). Additionally, this variant affects the first nucleotide of exon 65 and computational analyses (Alamut v.2.11) predict that this variant may impact splicing by weakening the nearby canonical acceptor splice site. Due to limited information, the clinical significance of the DNAH5 c.11029G>T; p.Val3677Leu variant is uncertain at this time.

NM_001369.3(DNAH5):c.11029G>T (p.Val3677Leu)

Gene: DNAH5 (dynein axonemal heavy chain 5; minus strand). Cytogenetic location: 5p15.2.
Variant type: single nucleotide variant.
Coding change: c.11029G>T on transcript NM_001369.3 (MANE Select); coding-DNA position 11029, G replaced by T.
Protein change: p.Val3677Leu; replaces valine 3677 with leucine.
Molecular consequence: missense variant.
Genome position (GRCh38, 1-based): chr5:13,751,260, C>A on the plus strand (G>T on the coding strand, the complement: DNAH5 is on the minus strand). VCF-style: chr5-13751260-C-A. GRCh37 (hg19) VCF-style: chr5-13751369-C-A.
Other names: short protein forms V3677L.
Identifiers: ClinVar variation 1330985 (VCV001330985.7), dbSNP rs2126690194, ClinGen allele CA359189431.